The following is an entry in ClinVar:

ClinVar aggregate classification (germline): Uncertain significance (1 of 4 stars; one submission).

Allele frequency attached by ClinVar (database versions not stated): TOPMed 0.00003; gnomAD 0.00004; ExAC 0.00005.
gnomAD v4.1: 53 of 1,604,782 alleles (0.0033%); highest among the groups gnomAD compares: African/African-American, 0.008%; no homozygotes.

Submission:

Labcorp Genetics (formerly Invitae), Labcorp
Classification: Uncertain significance. Last evaluated: 2024-10-07. Review status: criteria provided, single submitter. Criteria: Invitae Variant Classification Sherloc (09022015). Collection method: clinical testing. Allele origin: germline.
Comment: This sequence change replaces arginine, which is basic and polar, with tryptophan, which is neutral and slightly polar, at codon 1035 of the TNK2 protein (p.Arg1035Trp). This variant is present in population databases (rs748112786, gnomAD 0.009%). This variant has not been reported in the literature in individuals affected with TNK2-related conditions. An algorithm developed to predict the effect of missense changes on protein structure and function (PolyPhen-2) suggests that this variant is likely to be disruptive. In summary, the available evidence is currently insufficient to determine the role of this variant in disease. Therefore, it has been classified as a Variant of Uncertain Significance.

NM_001382273.1(TNK2):c.2914C>T (p.Arg972Trp)

Gene: TNK2 (tyrosine kinase non receptor 2; minus strand). Cytogenetic location: 3q29.
Variant type: single nucleotide variant.
Coding change: c.2914C>T on transcript NM_001382273.1 (MANE Select); coding-DNA position 2914, C replaced by T.
Protein change: p.Arg972Trp; replaces arginine 972 with tryptophan.
Molecular consequence: missense variant. On other transcripts: non-coding transcript variant (15).
Genome position (GRCh38, 1-based): chr3:195,867,384, G>A on the plus strand (C>T on the coding strand, the complement: TNK2 is on the minus strand). VCF-style: chr3-195867384-G-A. GRCh37 (hg19) VCF-style: chr3-195594255-G-A.
Other names: c.2986C>T, p.Arg996Trp (NM_001010938.2, NM_001382272.1); c.2965C>T, p.Arg989Trp (NM_001308046.2, NM_001382271.1); c.2914C>T, p.Arg972Trp (NM_001382274.1, NM_001387716.1, NM_001387717.1 and 1 more transcripts); c.3010C>T, p.Arg1004Trp (NM_001382275.1, NM_001387707.1); c.2869C>T, p.Arg957Trp (NM_001386164.1, NM_001387709.1, NM_001387710.1 and 8 more transcripts); c.2941C>T, p.Arg981Trp (NM_001387708.1, NM_001387715.1); short protein forms R957W, R981W, R1004W, R989W, R972W, R996W.
Identifiers: ClinVar variation 3011661 (VCV003011661.3), dbSNP rs748112786, ClinGen allele CA2775776.